The following is an entry in ClinVar:

ClinVar aggregate classification (germline): Pathogenic/Likely pathogenic. Review status: criteria provided, multiple submitters, no conflicts (2 of 4 stars). 6 submissions from 6 submitters: Pathogenic (2); Likely pathogenic (2). 2 of the submissions do not count toward it. Last evaluated 2025-05-02.

Conditions:
Neurodevelopmental disorder. Identifiers: MedGen C1535926, MeSH D065886, MONDO:0700092.
Spondylometaphyseal dysplasia - Sutcliffe type. Also called: Spondylometaphyseal Dysplasia, Corner Fracture Type; Sutcliffe type of spondylometaphyseal dysplasia; Sutcliffe SMD; Spondylometaphyseal dysplasia, 'corner fracture' type. Identifiers: Orphanet 93315, MedGen C0432221, MONDO:0008479, OMIM 184255.
Spondylometaphyseal dysplasia. Identifiers: Orphanet 254, MedGen C4759767, MONDO:0016763, HP:0002657.

Submissions (6):

Johns Hopkins Genomics, Johns Hopkins University
Classification: Likely pathogenic for Neurodevelopmental disorder. Last evaluated: 2025-05-02. Review status: criteria provided, single submitter. Criteria: ACMG Guidelines, 2015. Collection method: clinical testing. Allele origin: germline.
Comment: This variant is classified as likely pathogenic (PS3_moderate, PM1, PM2, PM6, PP2).

Victorian Clinical Genetics Services, Murdoch Childrens Research Institute
Classification: Pathogenic for Spondylometaphyseal dysplasia - Sutcliffe type. Last evaluated: 2024-10-11. Review status: criteria provided, single submitter. Criteria: ACMG Guidelines, 2015. Collection method: clinical testing. Allele origin: germline. Inheritance: Autosomal dominant inheritance. Affected: yes.
Comment: Based on the classification scheme VCGS_Germline_v1.3.5, this variant is classified as Pathogenic. Following criteria are met: 0105 - The mechanism of disease for this gene is not clearly established. This gene has previously been reported in association with haploinsufficiency, however, dominant negative appears to be the likely mechanism of disease (PMID: 29100092, Dinesh. N. et al. 2023).(I) 0107 - This gene is associated with autosomal dominant disease. Variants associated with glomerulopathy with fibronectin deposits 2 (MIM#601894) lie within the C-terminus, while variants associated with spondylometaphyseal dysplasia, corner fracture type (MIM#184255) lie within the N-terminus (domains I-1 to I-5) and often affect the cysteine residues involved in disulphide bonds (PMIDs: 29100092, 32200603). (I) 0115 - Variants in this gene are known to have variable expressivity. Intrafamilial variability has been observed (PMID: 32200603). (I) 0200 - Variant is predicted to result in a missense amino acid change from cysteine to arginine. (I) 0251 - This variant is heterozygous. (I) 0301 - Variant is absent from gnomAD (v2, v3 and v4). (SP) 0501 - Missense variant consistently predicted to be damaging by multiple in silico tools or highly conserved with a major amino acid change. (SP) 0600 - Variant is located in the annotated fibronectin type I domain and affects a cysteine residue involved in a disulphide bond (DECIPHER). (I) 0704 - Another missense variant comparable to the one identified in this case has limited previous evidence for pathogenicity. p.(Cys123Tyr) has a single de novo report in an individual with spondylometaphyseal dysplasia, corner fracture type (PMID: 30599297). (SP) 0801 - This variant has strong previous evidence of pathogenicity in unrelated individuals. The variant has multiple unrelated reports in affected individuals, two of which are de novo (ClinVar, DECIPHER, PMID: 29100092). (SP) 0905 - No published segregation evidence has been identified for this variant. (SP) Legend: (SP) - Supporting pathogenic, (I) - Information, (SB) - Supporting benign

Labcorp Genetics (formerly Invitae), Labcorp
Classification: Pathogenic. Last evaluated: 2022-07-01. Review status: criteria provided, single submitter. Criteria: Invitae Variant Classification Sherloc (09022015). Collection method: clinical testing. Allele origin: germline.
Comment: For these reasons, this variant has been classified as Pathogenic. Algorithms developed to predict the effect of missense changes on protein structure and function are either unavailable or do not agree on the potential impact of this missense change (SIFT: "Not Available"; PolyPhen-2: "Probably Damaging"; Align-GVGD: "Not Available"). ClinVar contains an entry for this variant (Variation ID: 424644). This missense change has been observed in individual(s) with spondylometaphyseal dysplasia, 'corner fracture' type (PMID: 29100092). In at least one individual the variant was observed to be de novo. This variant is not present in population databases (gnomAD no frequency). This sequence change replaces cysteine, which is neutral and slightly polar, with arginine, which is basic and polar, at codon 123 of the FN1 protein (p.Cys123Arg).

SIB Swiss Institute of Bioinformatics
Classification: Likely pathogenic for Spondylometaphyseal dysplasia - Sutcliffe type. Last evaluated: 2018-10-15. Review status: criteria provided, single submitter. Criteria: ACMG Guidelines, 2015. Collection method: curation. Allele origin: de novo.
Comment: This variant is interpreted as Likely Pathogenic, for Spondylometaphyseal dysplasia, corner fracture type, autosomal dominant. The following ACMG Tag(s) were applied: PM6 => Assumed de novo, but without confirmation of paternity and maternity (PubMed 29100092). PM2 => Absent from controls (or at extremely low frequency if recessive) in Exome Sequencing Project, 1000 Genomes Project, or Exome Aggregation Consortium. PP3 => Multiple lines of computational evidence support a deleterious effect on the gene or gene product. PM1 => Located in a mutational hot spot and/or critical and well-established functional domain (e.g., active site of an enzyme) without benign variation. Replaces a cysteine involved in disulfid.

OMIM
Classification: Pathogenic for SPONDYLOMETAPHYSEAL DYSPLASIA, CORNER FRACTURE TYPE. Last evaluated: 2017-12-28. Review status: no assertion criteria provided. Collection method: literature only. Allele origin: germline. Not counted in ClinVar's aggregate classification.

CHU Sainte-Justine Research Center, University of Montreal
Classification: Likely pathogenic for Spondylometaphyseal dysplasia. Last evaluated: 2017-02-25. Review status: no assertion criteria provided. Collection method: research. Allele origin: germline. Affected: yes. Not counted in ClinVar's aggregate classification.
Comment: 6 Individuals with novel FN1 mutations and spondylometaphyseal dysplasia

Literature cited by the submitters: PubMed 17368672 (cited by Johns Hopkins Genomics, Johns Hopkins University); PubMed 29100092 (cited by 5 submitters); PubMed 34089617 (cited by Johns Hopkins Genomics, Johns Hopkins University); PubMed 39367925 (cited by Johns Hopkins Genomics, Johns Hopkins University); PubMed 30599297 (cited by Victorian Clinical Genetics Services, Murdoch Childrens Research Institute); PubMed 32200603 (cited by Victorian Clinical Genetics Services, Murdoch Childrens Research Institute).

NM_212482.4(FN1):c.367T>C (p.Cys123Arg)

Gene: FN1 (fibronectin 1; minus strand). Cytogenetic location: 2q35.
Variant type: single nucleotide variant.
Coding change: c.367T>C on transcript NM_212482.4 (MANE Select); coding-DNA position 367, T replaced by C.
Protein change: p.Cys123Arg; replaces cysteine 123 with arginine.
Molecular consequence: missense variant.
Genome position (GRCh38, 1-based): chr2:215,433,372, A>G on the plus strand (T>C on the coding strand, the complement: FN1 is on the minus strand). VCF-style: chr2-215433372-A-G. GRCh37 (hg19) VCF-style: chr2-216298095-A-G.
Other names: c.367T>C, p.Cys123Arg (NM_001306129.2, NM_001306130.2, NM_001306131.2 and 14 more transcripts); short protein forms C123R.
Identifiers: ClinVar variation 424644 (VCV000424644.8), dbSNP rs1553667072, ClinGen allele CA350478685.